The following is an entry in ClinVar:

NM_013280.5(FLRT1):c.1381G>A (p.Ala461Thr)

Genes: FLRT1 (fibronectin leucine rich transmembrane protein 1; plus strand), MACROD1 (mono-ADP ribosylhydrolase 1; minus strand). Cytogenetic location: 11q13.1.
Variant type: single nucleotide variant.
Coding change: c.1381G>A on transcript NM_013280.5 (MANE Select); coding-DNA position 1381, G replaced by A.
Protein change: p.Ala461Thr; replaces alanine 461 with threonine.
Molecular consequence: missense variant. On other transcripts: intron variant (2).
Genome position (GRCh38, 1-based): chr11:64,117,648, G>A. VCF-style: chr11-64117648-G-A. GRCh37 (hg19) VCF-style: chr11-63885120-G-A.
Other names: c.1381G>A, p.Ala461Thr (NM_001384466.1); c.1297G>A, p.Ala433Thr (NM_001423967.1); c.517+33591C>T (NM_001411019.1, NM_014067.4); short protein forms A461T, A433T.
Identifiers: ClinVar variation 530934 (VCV000530934.11), dbSNP rs138289564, ClinGen allele CA6067697.

ClinVar aggregate classification (germline): Uncertain significance. Review status: criteria provided, multiple submitters, no conflicts (2 of 4 stars). 2 submissions from 2 submitters: Uncertain significance (2). Last evaluated 2022-09-07.

Conditions:
Peripheral neuropathy. Also called: Neuropathy. Identifiers: MedGen C0031117, MONDO:0005244, HP:0009830.

Allele frequency attached by ClinVar (database versions not stated): gnomAD 0.00033 and 0.00036; gnomAD exomes 0.00034 and 0.00025; ExAC 0.00017; TOPMed 0.00036; ESP Exome Variant Server 0.00046.
gnomAD v4.1: 544 of 1,613,574 alleles (0.034%); highest among the groups gnomAD compares: Non-Finnish European, 0.044%; 1 homozygote.

Submissions (2):

Labcorp Genetics (formerly Invitae), Labcorp
Classification: Uncertain significance for Peripheral neuropathy. Last evaluated: 2022-09-07. Review status: criteria provided, single submitter. Criteria: Invitae Variant Classification Sherloc (09022015). Collection method: clinical testing. Allele origin: germline.
Comment: In summary, the available evidence is currently insufficient to determine the role of this variant in disease. Therefore, it has been classified as a Variant of Uncertain Significance. Algorithms developed to predict the effect of missense changes on protein structure and function are either unavailable or do not agree on the potential impact of this missense change (SIFT: "Deleterious"; PolyPhen-2: "Benign"; Align-GVGD: "Class C55"). ClinVar contains an entry for this variant (Variation ID: 530934). This variant has not been reported in the literature in individuals affected with FLRT1-related conditions. This variant is present in population databases (rs138289564, gnomAD 0.05%), and has an allele count higher than expected for a pathogenic variant. This sequence change replaces alanine, which is neutral and non-polar, with threonine, which is neutral and polar, at codon 461 of the FLRT1 protein (p.Ala461Thr).

Ambry Genetics
Classification: Uncertain significance. Last evaluated: 2021-07-20. Review status: criteria provided, single submitter. Criteria: Ambry Variant Classification Scheme 2023. Collection method: clinical testing. Allele origin: germline.